The following is an entry in ClinVar:

NM_001211.6(BUB1B):c.1003G>C (p.Ala335Pro)

Gene: BUB1B (BUB1 mitotic checkpoint serine/threonine kinase B; plus strand). Cytogenetic location: 15q15.1.
Variant type: single nucleotide variant.
Coding change: c.1003G>C on transcript NM_001211.6 (MANE Select); coding-DNA position 1003, G replaced by C.
Protein change: p.Ala335Pro; replaces alanine 335 with proline.
Molecular consequence: missense variant.
Genome position (GRCh38, 1-based): chr15:40,185,587, G>C. VCF-style: chr15-40185587-G-C. GRCh37 (hg19) VCF-style: chr15-40477788-G-C.
Other names: short protein forms A335P.
Identifiers: ClinVar variation 533904 (VCV000533904.15), dbSNP rs145184714, ClinGen allele CA7475626.

ClinVar aggregate classification (germline): Conflicting classifications of pathogenicity. Review status: criteria provided, conflicting classifications (1 of 4 stars). 3 submissions from 3 submitters: Uncertain significance (1); Likely benign (2). Last evaluated 2026-01-25.

Conditions:
Inborn genetic diseases. Identifiers: MedGen C0950123, MeSH D030342.
Mosaic variegated aneuploidy syndrome 1 (MVA1). Also called: Warburton-Anyane-Yeboa syndrome. Identifiers: Orphanet 1052, MedGen C1850343, MONDO:0009759, OMIM 257300.

Allele frequency attached by ClinVar (database versions not stated): TOPMed 0.00053; gnomAD 0.00056; ESP Exome Variant Server 0.00062; 1000 Genomes Project 0.00080; 1000 Genomes Project 30x 0.00094.
gnomAD v4.1: 154 of 1,614,104 alleles (0.0095%); highest among the groups gnomAD compares: African/African-American, 0.19%; no homozygotes.

Submissions (3):

Labcorp Genetics (formerly Invitae), Labcorp
Classification: Uncertain significance for Mosaic variegated aneuploidy syndrome 1. Last evaluated: 2026-01-25. Review status: criteria provided, single submitter. Criteria: Invitae Variant Classification Sherloc (09022015). Collection method: clinical testing. Allele origin: germline.
Comment: This sequence change replaces alanine, which is neutral and non-polar, with proline, which is neutral and non-polar, at codon 335 of the BUB1B protein (p.Ala335Pro). This variant is present in population databases (rs145184714, gnomAD 0.2%). This variant has not been reported in the literature in individuals affected with BUB1B-related conditions. ClinVar contains an entry for this variant (Variation ID: 533904). An algorithm developed to predict the effect of missense changes on protein structure and function outputs the following: PolyPhen-2: "Benign". The proline amino acid residue is found in multiple mammalian species, which suggests that this missense change does not adversely affect protein function. In summary, the available evidence is currently insufficient to determine the role of this variant in disease. Therefore, it has been classified as a Variant of Uncertain Significance.

Blueprint Genetics
Classification: Likely benign. Last evaluated: 2023-12-08. Review status: criteria provided, single submitter. Criteria: ACMG Guidelines, 2015. Collection method: clinical testing. Allele origin: germline.

Ambry Genetics
Classification: Likely benign for Inborn genetic diseases. Last evaluated: 2022-10-03. Review status: criteria provided, single submitter. Criteria: Ambry Variant Classification Scheme 2023. Collection method: clinical testing. Allele origin: germline.